The following is an entry in ClinVar:

NM_170606.3(KMT2C):c.13023G>T (p.Gly4341=)

Gene: KMT2C (lysine methyltransferase 2C; minus strand). Cytogenetic location: 7q36.1.
Variant type: single nucleotide variant.
Coding change: c.13023G>T on transcript NM_170606.3 (MANE Select); coding-DNA position 13023, G replaced by T.
Protein change: p.Gly4341=; no amino-acid change (glycine 4341 retained).
Molecular consequence: synonymous variant.
Genome position (GRCh38, 1-based): chr7:152,148,904, C>A on the plus strand (G>T on the coding strand, the complement: KMT2C is on the minus strand). VCF-style: chr7-152148904-C-A. GRCh37 (hg19) VCF-style: chr7-151845989-C-A.
Identifiers: ClinVar variation 2072264 (VCV002072264.26), dbSNP rs142711314, ClinGen allele CA458885020.

ClinVar aggregate classification (germline): Likely benign. Review status: criteria provided, multiple submitters, no conflicts (2 of 4 stars). 2 submissions from 2 submitters: Likely benign (2). Last evaluated 2024-11-04.

gnomAD v4.1: 1 of 1,614,038 alleles (0.000062%); highest among the groups gnomAD compares: Non-Finnish European, 0.000085%; no homozygotes.

Submissions (2):

Labcorp Genetics (formerly Invitae), Labcorp
Classification: Likely benign. Last evaluated: 2024-11-04. Review status: criteria provided, single submitter. Criteria: Invitae Variant Classification Sherloc (09022015). Collection method: clinical testing. Allele origin: germline.

CeGaT Center for Human Genetics Tuebingen
Classification: Likely benign. Last evaluated: 2024-01-01. Review status: criteria provided, single submitter. Criteria: CeGaT Center For Human Genetics Tuebingen Variant Classification Criteria Version 2. Collection method: clinical testing. Allele origin: germline. Affected: yes. Observed: 1 variant allele.
Comment: KMT2C: PM2:Supporting, BP4, BP7